The following is an entry in ClinVar:

ClinVar aggregate classification (germline): Uncertain significance (1 of 4 stars; one submission).

gnomAD v4.1: 8 of 1,612,730 alleles (0.0005%); highest among the groups gnomAD compares: African/African-American, 0.004%; no homozygotes.

Submission:

Labcorp Genetics (formerly Invitae), Labcorp
Classification: Uncertain significance. Last evaluated: 2025-02-02. Review status: criteria provided, single submitter. Criteria: Invitae Variant Classification Sherloc (09022015). Collection method: clinical testing. Allele origin: germline.
Comment: This sequence change replaces alanine, which is neutral and non-polar, with threonine, which is neutral and polar, at codon 1300 of the LRP5 protein (p.Ala1300Thr). This variant is present in population databases (rs565799629, gnomAD 0.02%). This variant has not been reported in the literature in individuals affected with LRP5-related conditions. Invitae Evidence Modeling of protein sequence and biophysical properties (such as structural, functional, and spatial information, amino acid conservation, physicochemical variation, residue mobility, and thermodynamic stability) indicates that this missense variant is not expected to disrupt LRP5 protein function with a negative predictive value of 95%. In summary, the available evidence is currently insufficient to determine the role of this variant in disease. Therefore, it has been classified as a Variant of Uncertain Significance.

NM_002335.4(LRP5):c.3898G>A (p.Ala1300Thr)

Gene: LRP5 (LDL receptor related protein 5; plus strand). Cytogenetic location: 11q13.2.
Variant type: single nucleotide variant.
Coding change: c.3898G>A on transcript NM_002335.4 (MANE Select); coding-DNA position 3898, G replaced by A.
Protein change: p.Ala1300Thr; replaces alanine 1300 with threonine.
Molecular consequence: missense variant.
Genome position (GRCh38, 1-based): chr11:68,433,736, G>A. VCF-style: chr11-68433736-G-A. GRCh37 (hg19) VCF-style: chr11-68201204-G-A.
Other names: c.2155G>A, p.Ala719Thr (NM_001291902.2); short protein forms A1300T, A719T.
Identifiers: ClinVar variation 4777965 (VCV004777965.1).